The following is an entry in ClinVar:

NM_000284.4(PDHA1):c.853_865dup (p.Tyr289fs)

Gene: PDHA1 (pyruvate dehydrogenase E1 subunit alpha 1; plus strand). Cytogenetic location: Xp22.12.
Variant type: Duplication.
Coding change: c.853_865dup on transcript NM_000284.4 (MANE Select); coding-DNA positions 853 to 865, 13 bases duplicated (CAGACTTACCGTT).
Protein change: p.Tyr289fs; shifts the reading frame from tyrosine 289.
Molecular consequence: frameshift variant.
Genome position (GRCh38, 1-based): chrX:19,357,673-19,357,685, CAGACTTACCGTT duplicated. VCF-style (leftmost placement, unchanged base first): chrX-19357672-G-GCAGACTTACCGTT. GRCh37 (hg19) VCF-style: chrX-19375790-G-GCAGACTTACCGTT.
Other names: c.967_979dup, p.Tyr327fs (NM_001173454.2); c.874_886dup, p.Tyr296fs (NM_001173455.2); c.760_772dup, p.Tyr258fs (NM_001173456.2); short protein forms Y258fs, Y289fs, Y296fs, Y327fs.
Identifiers: ClinVar variation 4070376 (VCV004070376.1).

ClinVar aggregate classification (germline): Pathogenic (0 of 4 stars; one submission).

Conditions:
Pyruvate dehydrogenase E1-alpha deficiency (PDHAD). Also called: ATAXIA, INTERMITTENT, WITH PYRUVATE DEHYDROGENASE DEFICIENCY; ATAXIA WITH LACTIC ACIDOSIS I; ATAXIA, INTERMITTENT, WITH ABNORMAL PYRUVATE METABOLISM; Ataxia, intermittent, with pyruvate dehydrogenase, or decarboxylase, deficiency. Identifiers: Orphanet 79243, MedGen C1839413, MONDO:0010717, OMIM 312170.

Submission:

PDHA1 Study Group, University Children’s Hospital, Paracelsus Medical University
Classification: Pathogenic for Pyruvate dehydrogenase E1-alpha deficiency. Last evaluated: 2024-10-15. Review status: no assertion criteria provided. Collection method: research. Allele origin: germline. Affected: yes. Observed: 1 variant allele.
Comment: The NM_000284.3:c.853_865dup (p.Tyr289SerfsTer12) change is a frameshift variant in PDHA1 gene. This variant is predicted to result in nonsense-mediated decay (NMD). The variant has been reported in 1 published case (PMIDs: 38268232). Last literature search: July 12, 2024. This variant is absent or extremely rare in population-based cohorts in the Genome Aggregation Database (gnomAD). Individuals harboring this variant presented with clinical features compatible with PDHA1-related PDHc deficiency. In summary, this variant meets criteria to be classified as pathogenic (P) for PDHA1-related PDHc deficiency based on the ACMG/AMP criteria applied: PVS1, PM2 (last assessment October 15, 2024).

Literature cited by the submitters: PubMed 38268232; DOI 10.1093/brain/awaf430.